The following is an entry in ClinVar:

ClinVar aggregate classification (germline): Uncertain significance (1 of 4 stars; one submission).

Submission:

Women's Health and Genetics/Laboratory Corporation of America, LabCorp
Classification: Uncertain significance. Last evaluated: 2025-10-09. Review status: criteria provided, single submitter. Criteria: LabCorp Variant Classification Summary - May 2015. Collection method: clinical testing. Allele origin: germline.
Comment: Variant summary: KCNA1 c.-16G>T is located in the untranslated mRNA region upstream of the initiation codon. The variant allele was found at a frequency of 4.2e-06 in 237292 control chromosomes. The available data on variant occurrences in the general population are insufficient to allow any conclusion about variant significance. To our knowledge, no occurrence of c.-16G>T in individuals affected with KCNA1-related conditions and no experimental evidence demonstrating its impact on protein function have been reported. No submitters have cited clinical-significance assessments for this variant to ClinVar. Based on the evidence outlined above, the variant was classified as uncertain significance.

NM_000217.3(KCNA1):c.-16G>T

Genes: KCNA1 (potassium voltage-gated channel subfamily A member 1; plus strand), LOC130007218 (ATAC-STARR-seq lymphoblastoid silent region 4155; plus strand). Cytogenetic location: 12p13.32.
Variant type: single nucleotide variant.
Coding change: c.-16G>T on transcript NM_000217.3 (MANE Select); 16 bases upstream of the start codon, G replaced by T.
Molecular consequence: 5 prime UTR variant.
Genome position (GRCh38, 1-based): chr12:4,911,363, G>T. VCF-style: chr12-4911363-G-T. GRCh37 (hg19) VCF-style: chr12-5020529-G-T.
Identifiers: ClinVar variation 4687419 (VCV004687419.1).